The following is an entry in ClinVar:

ClinVar aggregate classification (germline): Uncertain significance (1 of 4 stars; one submission).

gnomAD v4.1: 23 of 1,605,472 alleles (0.0014%); highest among the groups gnomAD compares: Non-Finnish European, 0.0018%; no homozygotes.

Submission:

Labcorp Genetics (formerly Invitae), Labcorp
Classification: Uncertain significance. Last evaluated: 2022-08-02. Review status: criteria provided, single submitter. Criteria: Invitae Variant Classification Sherloc (09022015). Collection method: clinical testing. Allele origin: germline.
Comment: Algorithms developed to predict the effect of missense changes on protein structure and function are either unavailable or do not agree on the potential impact of this missense change (SIFT: "Not Available"; PolyPhen-2: "Benign"; Align-GVGD: "Not Available"). This sequence change replaces alanine, which is neutral and non-polar, with serine, which is neutral and polar, at codon 600 of the NUP160 protein (p.Ala600Ser). The frequency data for this variant in the population databases is considered unreliable, as metrics indicate poor data quality at this position in the gnomAD database. This variant has not been reported in the literature in individuals affected with NUP160-related conditions. In summary, the available evidence is currently insufficient to determine the role of this variant in disease. Therefore, it has been classified as a Variant of Uncertain Significance.

NM_015231.3(NUP160):c.1696G>T (p.Ala566Ser)

Gene: NUP160 (nucleoporin 160; minus strand). Cytogenetic location: 11p11.2.
Variant type: single nucleotide variant.
Coding change: c.1696G>T on transcript NM_015231.3 (MANE Select); coding-DNA position 1696, G replaced by T.
Protein change: p.Ala566Ser; replaces alanine 566 with serine.
Molecular consequence: missense variant. On other transcripts: non-coding transcript variant (1).
Genome position (GRCh38, 1-based): chr11:47,813,036, C>A on the plus strand (G>T on the coding strand, the complement: NUP160 is on the minus strand). VCF-style: chr11-47813036-C-A. GRCh37 (hg19) VCF-style: chr11-47834588-C-A.
Other names: short protein forms A566S.
Identifiers: ClinVar variation 1949310 (VCV001949310.5), dbSNP rs761474196, ClinGen allele CA5981200.